The following is an entry in ClinVar:

ClinVar aggregate classification (germline): Likely benign. Review status: reviewed by expert panel (3 of 4 stars). 5 submissions from 4 submitters: Likely benign (1). 4 of the submissions do not count toward it. Last evaluated 2024-10-25.

Conditions:
T-cell immunodeficiency, congenital alopecia, and nail dystrophy. Also called: Congenital alopecia and nail dystrophy associated with severe functional T-cell immunodeficiency; Pignata Guarino syndrome. Identifiers: Orphanet 169095, MedGen C1866426, MONDO:0011132, OMIM 601705.
T-cell lymphopenia, infantile, with or without nail dystrophy, autosomal dominant. Identifiers: Orphanet 676039, MedGen C5394133, MONDO:0032928, OMIM 618806.

Allele frequency attached by ClinVar (database versions not stated): gnomAD exomes 0.00017 and 0.00048; 1000 Genomes Project 0.00060; 1000 Genomes Project 30x 0.00062; ExAC 0.00065; gnomAD 0.00190 and 0.00210; TOPMed 0.00217; ESP Exome Variant Server 0.00246.
gnomAD v4.1: 536 of 1,613,334 alleles (0.033%); highest among the groups gnomAD compares: African/African-American, 0.64%; 1 homozygote.

Submissions (5):

ClinGen Severe Combined Immunodeficiency Variant Curation Expert Panel, ClinGen
Classification: Likely benign for T-cell immunodeficiency, congenital alopecia, and nail dystrophy. Last evaluated: 2024-10-25. Review status: reviewed by expert panel. Criteria: ClinGen SCID ACMG Specifications FOXN1 V1.0.0. Collection method: curation. Allele origin: germline. Inheritance: Semidominant inheritance.
Comment: The variant NM_001369369.1(FOXN1):c.382C>T (p.Arg128Trp) is predicted to cause an arginine to tryptophan substitution at amino acid position 128. The variant has a Grpmax allele frequency of 0.005950 based upon the gnomADv4.0 African American subpopulation, which is greater than 0.00447 and thus meets BA1 criteria. The meta predictor Revel predicts a score of 0.616, which is less than 0.644 and greater than 0.290, which does not meet BP4 or PP3 criteria. The variant was found in the heterozygous state in sample 336 from PMID: 31672859 who displayed isolated phenotypes such as low TRECs and low CD4+ count (PP4 not met). In summary this variant meets criteria to be classified as benign for semidominant cell immunodeficiency, congenital alopecia, and nail dystrophy due to FOXN1 deficiency based on the ACMG/AMP criteria applied: BA1 as specified by the ClinGen SCID VCEP FOXN1 subgroup, however the ClinGen SCID VCEP has modified the classification to Likely Benign due to the suspicious patient and the remaining possibility that the variant could be associated with isolated immunologic phenotypes such as low TRECs.

Labcorp Genetics (formerly Invitae), Labcorp
Classification: Benign for T-cell immunodeficiency, congenital alopecia, and nail dystrophy. Last evaluated: 2026-01-27. Review status: criteria provided, single submitter. Criteria: Invitae Variant Classification Sherloc (09022015). Collection method: clinical testing. Allele origin: germline. Not counted in ClinVar's aggregate classification.

Blueprint Genetics
Classification: Uncertain significance. Last evaluated: 2024-11-27. Review status: criteria provided, single submitter. Criteria: ACMG Guidelines, 2015. Collection method: clinical testing. Allele origin: germline. Not counted in ClinVar's aggregate classification.

Center for Genomics, Ann and Robert H. Lurie Children's Hospital of Chicago
Classification: Uncertain significance for T-cell immunodeficiency, congenital alopecia, and nail dystrophy. Last evaluated: 2017-12-20. Review status: criteria provided, single submitter. Criteria: ACMG Guidelines, 2015. Collection method: clinical testing. Allele origin: germline. Not counted in ClinVar's aggregate classification.
Comment: FOXN1 NM_003593.2 exon 2 p.Arg128Trp (c.382C>T): This variant has not been reported in the literature but is present in 0.6% (152/23736) of African alleles in the Genome Aggregation Database. Evolutionary conservation and computational predictive tools suggest that this variant may impact the protein. In summary, data on this variant is insufficient for disease classification. Therefore, the clinical significance of this variant is uncertain.

Center for Genomics, Ann and Robert H. Lurie Children's Hospital of Chicago
Classification: Uncertain significance for T-cell lymphopenia, infantile, with or without nail dystrophy, autosomal dominant; T-cell immunodeficiency, congenital alopecia, and nail dystrophy. Review status: criteria provided, single submitter. Criteria: ACMG Guidelines, 2015. Collection method: clinical testing. Allele origin: germline. Not counted in ClinVar's aggregate classification.
Comment: FOXN1 NM_003593 exon 2 p.Arg128Trp (c.382C>T): This variant has not been reported in the literature but is present in 0.6% (152/23736) of African alleles in the Genome Aggregation Database. Evolutionary conservation and computational predictive tools suggest that this variant may impact the protein. In summary, data on this variant is insufficient for disease classification. Therefore, the clinical significance of this variant is uncertain

NM_001369369.1(FOXN1):c.382C>T (p.Arg128Trp)

Gene: FOXN1 (forkhead box N1; plus strand). Cytogenetic location: 17q11.2.
Variant type: single nucleotide variant.
Coding change: c.382C>T on transcript NM_001369369.1 (MANE Select); coding-DNA position 382, C replaced by T.
Protein change: p.Arg128Trp; replaces arginine 128 with tryptophan.
Molecular consequence: missense variant.
Genome position (GRCh38, 1-based): chr17:28,524,761, C>T. VCF-style: chr17-28524761-C-T. GRCh37 (hg19) VCF-style: chr17-26851779-C-T.
Other names: NM_001369369.1(FOXN1):c.382C>T; p.Arg128Trp; c.382C>T, p.Arg128Trp (NM_003593.3); short protein forms R128W.
Identifiers: ClinVar variation 625945 (VCV000625945.13), dbSNP rs144301161, ClinGen allele CA8459214.